The following is an entry in ClinVar:

ClinVar aggregate classification (germline): Likely benign. Review status: criteria provided, multiple submitters, no conflicts (2 of 4 stars). 4 submissions from 4 submitters: Likely benign (4). Last evaluated 2024-03-15.

Conditions:
Inborn genetic diseases. Identifiers: MedGen C0950123, MeSH D030342.
Seizures, benign familial infantile, 3 (BFIS3). Also called: Familial neonatal seizures; CONVULSIONS, BENIGN FAMILIAL INFANTILE, 3. Identifiers: Orphanet 140927, Orphanet 306, MedGen C1843140, MONDO:0011904, OMIM 607745.
Developmental and epileptic encephalopathy, 11 (DEE11). Also called: Early infantile epileptic encephalopathy 11. Identifiers: Orphanet 1934, MedGen C3150987, MONDO:0013388, OMIM 613721.

Allele frequency attached by ClinVar (database versions not stated): gnomAD 0.00002 and 0.00003; gnomAD exomes 0.00002; ExAC 0.00003; TOPMed 0.00003; ESP Exome Variant Server 0.00008.
gnomAD v4.1: 41 of 1,613,376 alleles (0.0025%); highest among the groups gnomAD compares: Non-Finnish European, 0.0031%; no homozygotes.

Submissions (4):

Labcorp Genetics (formerly Invitae), Labcorp
Classification: Likely benign for Seizures, benign familial infantile, 3; Developmental and epileptic encephalopathy, 11. Last evaluated: 2024-03-15. Review status: criteria provided, single submitter. Criteria: Invitae Variant Classification Sherloc (09022015). Collection method: clinical testing. Allele origin: germline.

Genetic Services Laboratory, University of Chicago
Classification: Likely benign. Last evaluated: 2017-08-18. Review status: criteria provided, single submitter. Criteria: ACMG Guidelines, 2015. Collection method: clinical testing. Allele origin: germline. Affected: no.

Ambry Genetics
Classification: Likely benign for Inborn genetic diseases. Last evaluated: 2016-12-09. Review status: criteria provided, single submitter. Criteria: Ambry Variant Classification Scheme 2023. Collection method: clinical testing. Allele origin: germline.

GeneDx
Classification: Likely benign. Last evaluated: 2016-09-21. Review status: criteria provided, single submitter. Criteria: GeneDx Variant Classification (06012015). Collection method: clinical testing. Allele origin: germline. Affected: yes.
Comment: This variant is considered likely benign or benign based on one or more of the following criteria: it is a conservative change, it occurs at a poorly conserved position in the protein, it is predicted to be benign by multiple in silico algorithms, and/or has population frequency not consistent with disease.

NM_001040142.2(SCN2A):c.252C>T (p.Tyr84=)

Gene: SCN2A (sodium voltage-gated channel alpha subunit 2; plus strand). Cytogenetic location: 2q24.3.
Variant type: single nucleotide variant.
Coding change: c.252C>T on transcript NM_001040142.2 (MANE Select); coding-DNA position 252, C replaced by T.
Protein change: p.Tyr84=; no amino-acid change (tyrosine 84 retained).
Molecular consequence: synonymous variant.
Genome position (GRCh38, 1-based): chr2:165,296,075, C>T. VCF-style: chr2-165296075-C-T. GRCh37 (hg19) VCF-style: chr2-166152585-C-T.
Other names: c.252C>T, p.Tyr84= (NM_001040143.2, NM_001371246.1, NM_001371247.1 and 1 more transcripts).
Identifiers: ClinVar variation 389103 (VCV000389103.12), dbSNP rs143065769, ClinGen allele CA1939559.